The following is an entry in ClinVar:

ClinVar aggregate classification (germline): Pathogenic/Likely pathogenic. Review status: criteria provided, multiple submitters, no conflicts (2 of 4 stars). 7 submissions from 7 submitters: Pathogenic (5); Likely pathogenic (2). Last evaluated 2025-06-24.

Conditions:
Microcephaly 5, primary, autosomal recessive (MCPH5). Also called: ASPM Primary Microcephaly. Identifiers: Orphanet 2512, MedGen C1837501, MONDO:0012106, OMIM 608716.
Microcephaly. Also called: Microcephaly (disease). Identifiers: MedGen C4551563, MONDO:0001149, HP:0000252.
Lissencephaly. Also called: Lissencephaly spectrum disorders. Identifiers: Orphanet 48471, MedGen C0266463, MeSH D054082, MONDO:0018838, HP:0001339.
Inborn genetic diseases. Identifiers: MedGen C0950123, MeSH D030342.

Submissions (7):

Institute of Human Genetics, University of Leipzig Medical Center
Classification: Pathogenic for Microcephaly 5, primary, autosomal recessive. Last evaluated: 2025-06-24. Review status: criteria provided, single submitter. Criteria: ACMG Guidelines, 2015. Collection method: clinical testing. Allele origin: unknown. Inheritance: Autosomal recessive inheritance. Affected: yes.
Comment: Criteria applied: PVS1,PM2; Identified as compund heterozygous with NM_018136.5:c.4368G>A

Ambry Genetics
Classification: Pathogenic for Inborn genetic diseases. Last evaluated: 2025-03-07. Review status: criteria provided, single submitter. Criteria: Ambry Variant Classification Scheme 2023. Collection method: clinical testing. Allele origin: germline.
Comment: The c.9324delT (p.L3109Ffs*11) alteration, located in exon 22 (coding exon 22) of the ASPM gene, consists of a deletion of one nucleotide at position 9324, causing a translational frameshift with a predicted alternate stop codon after 11 amino acids. This alteration is expected to result in loss of function by premature protein truncation or nonsense-mediated mRNA decay. Based on data from gnomAD, this allele has an overall frequency of 0.001% (2/250442) total alleles studied. The highest observed frequency was 0.002% (2/112950) of European (non-Finnish) alleles. Based on the available evidence, this alteration is classified as pathogenic.

Genome-Nilou Lab
Classification: Likely pathogenic for Microcephaly 5, primary, autosomal recessive. Last evaluated: 2023-04-11. Review status: criteria provided, single submitter. Criteria: ACMG Guidelines, 2015. Collection method: clinical testing. Allele origin: germline. Affected: no.

GeneDx
Classification: Pathogenic. Last evaluated: 2022-10-18. Review status: criteria provided, single submitter. Criteria: GeneDx Variant Classification Process June 2021. Collection method: clinical testing. Allele origin: germline. Affected: yes.
Comment: Frameshift variant predicted to result in protein truncation or nonsense mediated decay in a gene for which loss-of-function is a known mechanism of disease; Not observed at significant frequency in large population cohorts (gnomAD); Has not been previously published as pathogenic or benign to our knowledge; This variant is associated with the following publications: (PMID: 19028728, 23611254)

Fulgent Genetics
Classification: Likely pathogenic for Microcephaly 5, primary, autosomal recessive. Last evaluated: 2022-01-28. Review status: criteria provided, single submitter. Criteria: ACMG Guidelines, 2015. Collection method: clinical testing. Allele origin: unknown.

Centre of Medical Genetics, University Hospital Muenster
Classification: Pathogenic for Lissencephaly; Microcephaly. Last evaluated: 2021-12-05. Review status: criteria provided, single submitter. Criteria: ACMG Guidelines, 2015. Collection method: clinical testing. Allele origin: germline. Affected: yes. Observed: 1 variant allele, 1 heterozygote.
Comment: ACMG categories: PVS1,PM2,PM3,PP4,PP5

Labcorp Genetics (formerly Invitae), Labcorp
Classification: Pathogenic. Last evaluated: 2018-07-25. Review status: criteria provided, single submitter. Criteria: Invitae Variant Classification Sherloc (09022015). Collection method: clinical testing. Allele origin: germline.
Comment: This variant is not present in population databases (ExAC no frequency). For these reasons, this variant has been classified as Pathogenic. Loss-of-function variants in ASPM are known to be pathogenic (PMID: 19028728, 23611254). This variant has not been reported in the literature in individuals with ASPM-related disease. This sequence change creates a premature translational stop signal (p.Leu3109Phefs*11) in the ASPM gene. It is expected to result in an absent or disrupted protein product.

Literature cited by the submitters: PubMed 19028728 (cited by Labcorp Genetics (formerly Invitae), Labcorp); PubMed 23611254 (cited by Labcorp Genetics (formerly Invitae), Labcorp).

NM_018136.5(ASPM):c.9324del (p.Leu3109fs)

Gene: ASPM (assembly factor for spindle microtubules; minus strand). Cytogenetic location: 1q31.3.
Variant type: Deletion.
Coding change: c.9324del on transcript NM_018136.5 (MANE Select); coding-DNA position 9324, one base deleted (T; older notation c.9324delT).
Protein change: p.Leu3109fs; shifts the reading frame from leucine 3109.
Molecular consequence: frameshift variant.
Genome position (GRCh38, 1-based): chr1:197,092,027, A deleted on the plus strand (T on the coding strand, the reverse complement: ASPM is on the minus strand); the first of 2 consecutive A bases (chr1:197,092,027-197,092,028); deleting either gives the same sequence. VCF-style (leftmost placement, unchanged base first): chr1-197092026-GA-G. GRCh37 (hg19) VCF-style: chr1-197061156-GA-G.
Other names: c.9324delT (NM_018136.4); c.4569del, p.Leu1524fs (NM_001206846.2); short protein forms L1524fs, L3109fs.
Identifiers: ClinVar variation 643176 (VCV000643176.16), dbSNP rs1163303148, ClinGen allele CA528279173.